The following is an entry in ClinVar:

NM_152594.3(SPRED1):c.853C>G (p.Pro285Ala)

Gene: SPRED1 (sprouty related EVH1 domain containing 1; plus strand). Cytogenetic location: 15q14.
Variant type: single nucleotide variant.
Coding change: c.853C>G on transcript NM_152594.3 (MANE Select); coding-DNA position 853, C replaced by G.
Protein change: p.Pro285Ala; replaces proline 285 with alanine.
Molecular consequence: missense variant.
Genome position (GRCh38, 1-based): chr15:38,351,182, C>G. VCF-style: chr15-38351182-C-G. GRCh37 (hg19) VCF-style: chr15-38643383-C-G.
Other names: short protein forms P285A.
Identifiers: ClinVar variation 3322357 (VCV003322357.1).

ClinVar aggregate classification (germline): Uncertain significance (1 of 4 stars; one submission).

Conditions:
Cardiovascular phenotype. Identifiers: MedGen CN230736.

Submission:

Ambry Genetics
Classification: Uncertain significance for Cardiovascular phenotype. Last evaluated: 2024-04-25. Review status: criteria provided, single submitter. Criteria: Ambry Variant Classification Scheme 2023. Collection method: clinical testing. Allele origin: germline.
Comment: The p.P285A variant (also known as c.853C>G), located in coding exon 7 of the SPRED1 gene, results from a C to G substitution at nucleotide position 853. The proline at codon 285 is replaced by alanine, an amino acid with highly similar properties. This amino acid position is conserved. In addition, this alteration is predicted to be tolerated by in silico analysis. Based on the available evidence, the clinical significance of this variant remains unclear.